The following is an entry in ClinVar:

ClinVar aggregate classification (germline): Uncertain significance. Review status: criteria provided, multiple submitters, no conflicts (2 of 4 stars). 2 submissions from 2 submitters: Uncertain significance (2). Last evaluated 2025-12-10.

Conditions:
Pulmonary fibrosis and/or bone marrow failure, Telomere-related, 3. Also called: PULMONARY FIBROSIS AND/OR BONE MARROW FAILURE SYNDROME, TELOMERE-RELATED, 3. Identifiers: Orphanet 2032, MedGen C4225346, MONDO:0014613, OMIM 616373.
Dyskeratosis congenita, autosomal recessive 5 (DKCB5). Identifiers: MedGen C3554656, MONDO:0014076, OMIM 615190.
Inborn genetic diseases. Identifiers: MedGen C0950123, MeSH D030342.

Allele frequency attached by ClinVar (database versions not stated): gnomAD 0.00003; TOPMed 0.00001; ExAC 0.00003; gnomAD exomes 0.00003.
gnomAD v4.1: 45 of 1,610,296 alleles (0.0028%); highest among the groups gnomAD compares: South Asian, 0.018%; no homozygotes.

Submissions (2):

Labcorp Genetics (formerly Invitae), Labcorp
Classification: Uncertain significance for Dyskeratosis congenita, autosomal recessive 5; Pulmonary fibrosis and/or bone marrow failure, Telomere-related, 3. Last evaluated: 2025-12-10. Review status: criteria provided, single submitter. Criteria: Invitae Variant Classification Sherloc (09022015). Collection method: clinical testing. Allele origin: germline.
Comment: This sequence change replaces arginine, which is basic and polar, with cysteine, which is neutral and slightly polar, at codon 769 of the RTEL1 protein (p.Arg769Cys). This variant is present in population databases (rs777844293, gnomAD 0.02%). This variant has not been reported in the literature in individuals affected with RTEL1-related conditions. ClinVar contains an entry for this variant (Variation ID: 2048427). An algorithm developed to predict the effect of missense changes on protein structure and function outputs the following: PolyPhen-2: "Benign". The cysteine amino acid residue is found in multiple mammalian species, which suggests that this missense change does not adversely affect protein function. In summary, the available evidence is currently insufficient to determine the role of this variant in disease. Therefore, it has been classified as a Variant of Uncertain Significance.

Ambry Genetics
Classification: Uncertain significance for Inborn genetic diseases. Last evaluated: 2025-08-21. Review status: criteria provided, single submitter. Criteria: Ambry Variant Classification Scheme 2023. Collection method: clinical testing. Allele origin: germline.

NM_001283009.2(RTEL1):c.2305C>T (p.Arg769Cys)

Genes: RTEL1 (regulator of telomere elongation helicase 1; plus strand), RTEL1-TNFRSF6B (RTEL1-TNFRSF6B readthrough (NMD candidate); plus strand). Cytogenetic location: 20q13.33.
Variant type: single nucleotide variant.
Coding change: c.2305C>T on transcript NM_001283009.2 (MANE Select); coding-DNA position 2305, C replaced by T.
Protein change: p.Arg769Cys; replaces arginine 769 with cysteine.
Molecular consequence: missense variant. On other transcripts: non-coding transcript variant (1).
Genome position (GRCh38, 1-based): chr20:63,690,333, C>T. VCF-style: chr20-63690333-C-T. GRCh37 (hg19) VCF-style: chr20-62321686-C-T.
Other names: c.2377C>T (NM_032957.4); c.1636C>T, p.Arg546Cys (NM_001283010.1); c.2305C>T, p.Arg769Cys (NM_016434.4); c.2377C>T, p.Arg793Cys (NM_032957.5); short protein forms R546C, R793C, R769C.
Identifiers: ClinVar variation 2048427 (VCV002048427.4), dbSNP rs777844293, ClinGen allele CA9965277.